The following is an entry in ClinVar:

NM_198576.4(AGRN):c.1066G>T (p.Val356Leu)

Gene: AGRN (agrin; plus strand). Cytogenetic location: 1p36.33.
Variant type: single nucleotide variant.
Coding change: c.1066G>T on transcript NM_198576.4 (MANE Select); coding-DNA position 1066, G replaced by T.
Protein change: p.Val356Leu; replaces valine 356 with leucine.
Molecular consequence: missense variant.
Genome position (GRCh38, 1-based): chr1:1,041,591, G>T. VCF-style: chr1-1041591-G-T. GRCh37 (hg19) VCF-style: chr1-976971-G-T.
Other names: c.1066G>T, p.Val356Leu (NM_001305275.2); c.751G>T, p.Val251Leu (NM_001364727.2); short protein forms V356L, V251L.
Identifiers: ClinVar variation 2731094 (VCV002731094.1), dbSNP rs868214586, ClinGen allele CA16751781.
Genomic context (GRCh38, chr1:1,041,591, plus strand): 5'-CGCACGCGGCGCCCTGAGATGCTCCTACGGCCCGAGAGCTGCCCTGCCCGGCAGGCGCCA[G>T]TGTGTGGGGACGACGGAGTCACCTACGAAAACGACTGTGTCATGGGCCGATCGGGGGCCG-3'
Protein context (NP_940978.2, residues 346-366): PESCPARQAP[Val356Leu]CGDDGVTYEN

ClinVar aggregate classification (germline): Uncertain significance (1 of 4 stars; one submission).

Conditions:
Congenital myasthenic syndrome 8. Also called: MYASTHENIC SYNDROME, CONGENITAL, DUE TO AGRIN DEFICIENCY; Myasthenic syndrome, congenital, 8, with pre- and postsynaptic defects. Identifiers: Orphanet 590, MedGen C3808739, MONDO:0014052, OMIM 615120.

gnomAD v4.1: 4 of 1,611,170 alleles (0.00025%); highest among the groups gnomAD compares: Middle Eastern, 0.066%; no homozygotes.

Submission:

Labcorp Genetics (formerly Invitae), Labcorp
Classification: Uncertain significance for Congenital myasthenic syndrome 8. Last evaluated: 2023-10-23. Review status: criteria provided, single submitter. Criteria: Invitae Variant Classification Sherloc (09022015). Collection method: clinical testing. Allele origin: germline.
Comment: This sequence change replaces valine, which is neutral and non-polar, with leucine, which is neutral and non-polar, at codon 356 of the AGRN protein (p.Val356Leu). This variant is not present in population databases (gnomAD no frequency). This variant has not been reported in the literature in individuals affected with AGRN-related conditions. An algorithm developed to predict the effect of missense changes on protein structure and function (PolyPhen-2) suggests that this variant¬†is likely to be tolerated. In summary, the available evidence is currently insufficient to determine the role of this variant in disease. Therefore, it has been classified as a Variant of Uncertain Significance.